The following is an entry in ClinVar:

NM_001723.7(DST):c.7333C>T (p.His2445Tyr)

Gene: DST (dystonin; minus strand). Cytogenetic location: 6p12.1.
Variant type: single nucleotide variant.
Coding change: c.7333C>T on transcript NM_001723.7 (MANE Plus Clinical); coding-DNA position 7333, C replaced by T.
Protein change: p.His2445Tyr; replaces histidine 2445 with tyrosine.
Molecular consequence: missense variant. On other transcripts: intron variant (10).
Genome position (GRCh38, 1-based): chr6:56,616,134, G>A on the plus strand (C>T on the coding strand, the complement: DST is on the minus strand). VCF-style: chr6-56616134-G-A. GRCh37 (hg19) VCF-style: chr6-56480932-G-A.
Other names: c.4831-1650C>T (NM_001144769.5); c.4930-1650C>T (NM_001374722.1, NM_001374736.1); c.4957-1650C>T (NM_001374734.1); c.4417-1650C>T (NM_001144770.2); c.4297-1650C>T (NM_001374730.1, NM_001386100.1, NM_183380.4 and 1 more transcripts); c.3319-1650C>T (NM_015548.5); short protein forms H2445Y.
Identifiers: ClinVar variation 1499678 (VCV001499678.8), dbSNP rs2152729151, ClinGen allele CA364563213.

ClinVar aggregate classification (germline): Uncertain significance (1 of 4 stars; one submission).

Conditions:
Epidermolysis bullosa simplex 3, localized or generalized intermediate, with BP230 deficiency (EBS3). Also called: Epidermolysis bullosa simplex due to BP230 deficiency; Epidermolysis bullosa simplex, autosomal recessive 2. Identifiers: Orphanet 412181, MedGen C3809470, MONDO:0014180, OMIM 615425.
Hereditary sensory and autonomic neuropathy type 6. Also called: Neuropathy, hereditary sensory and autonomic, type VI; HSAN VI. Identifiers: Orphanet 314381, MedGen C3539003, MONDO:0013839, OMIM 614653.

gnomAD v4.1: 1 of 1,614,166 alleles (0.000062%); highest among the groups gnomAD compares: Non-Finnish European, 0.000085%; no homozygotes.

Submission:

Labcorp Genetics (formerly Invitae), Labcorp
Classification: Uncertain significance for Epidermolysis bullosa simplex 3, localized or generalized intermediate, with BP230 deficiency; Hereditary sensory and autonomic neuropathy type 6. Last evaluated: 2022-03-08. Review status: criteria provided, single submitter. Criteria: Invitae Variant Classification Sherloc (09022015). Collection method: clinical testing. Allele origin: germline.
Comment: This variant is not present in population databases (gnomAD no frequency). This sequence change replaces histidine, which is basic and polar, with tyrosine, which is neutral and polar, at codon 2445 of the DST protein (p.His2445Tyr). This variant has not been reported in the literature in individuals affected with DST-related conditions. In summary, the available evidence is currently insufficient to determine the role of this variant in disease. Therefore, it has been classified as a Variant of Uncertain Significance. Algorithms developed to predict the effect of missense changes on protein structure and function are either unavailable or do not agree on the potential impact of this missense change (SIFT: "Deleterious"; PolyPhen-2: "Benign"; Align-GVGD: "Class C15").